The following is an entry in ClinVar:

ClinVar aggregate classification (germline): Uncertain significance (1 of 4 stars; one submission).

Conditions:
Early-infantile DEE. Also called: Ohtahara syndrome; Early infantile epileptic encephalopathy with suppression bursts; Early infantile epileptic encephalopathy. Identifiers: Orphanet 1934, MedGen C0393706, MONDO:0800491.

Submission:

Labcorp Genetics (formerly Invitae), Labcorp
Classification: Uncertain significance for Early-infantile DEE. Last evaluated: 2024-03-25. Review status: criteria provided, single submitter. Criteria: Invitae Variant Classification Sherloc (09022015). Collection method: clinical testing. Allele origin: germline.
Comment: This sequence change replaces glutamic acid, which is acidic and polar, with lysine, which is basic and polar, at codon 808 of the ARHGEF15 protein (p.Glu808Lys). This variant is not present in population databases (gnomAD no frequency). This variant has not been reported in the literature in individuals affected with ARHGEF15-related conditions. An algorithm developed to predict the effect of missense changes on protein structure and function (PolyPhen-2) suggests that this variant is likely to be disruptive. In summary, the available evidence is currently insufficient to determine the role of this variant in disease. Therefore, it has been classified as a Variant of Uncertain Significance.

NM_173728.4(ARHGEF15):c.2422G>A (p.Glu808Lys)

Gene: ARHGEF15 (Rho guanine nucleotide exchange factor 15; plus strand). Cytogenetic location: 17p13.1.
Variant type: single nucleotide variant.
Coding change: c.2422G>A on transcript NM_173728.4 (MANE Select); coding-DNA position 2422, G replaced by A.
Protein change: p.Glu808Lys; replaces glutamic acid 808 with lysine.
Molecular consequence: missense variant.
Genome position (GRCh38, 1-based): chr17:8,320,889, G>A. VCF-style: chr17-8320889-G-A. GRCh37 (hg19) VCF-style: chr17-8224207-G-A.
Other names: c.2422G>A, p.Glu808Lys (NM_025014.2); short protein forms E808K.
Identifiers: ClinVar variation 3687899 (VCV003687899.2).